The following is an entry in ClinVar:

NM_001378615.1(CC2D2A):c.3084G>C (p.Arg1028=)

Genes: CC2D2A (coiled-coil and C2 domain containing 2A; plus strand), FBXL5 (F-box and leucine rich repeat protein 5; minus strand). Cytogenetic location: 4p15.32.
Variant type: single nucleotide variant.
Coding change: c.3084G>C on transcript NM_001378615.1 (MANE Select); coding-DNA position 3084, G replaced by C.
Protein change: p.Arg1028=; no amino-acid change (arginine 1028 retained).
Molecular consequence: synonymous variant.
Genome position (GRCh38, 1-based): chr4:15,563,424, G>C. VCF-style: chr4-15563424-G-C. GRCh37 (hg19) VCF-style: chr4-15565047-G-C.
Other names: c.3084G>C, p.Arg1028= (NM_001080522.2); c.2937G>C, p.Arg979= (NM_001378617.1).
Identifiers: ClinVar variation 700746 (VCV000700746.14), dbSNP rs373698524, ClinGen allele CA2864075.

ClinVar aggregate classification (germline): Likely benign. Review status: criteria provided, multiple submitters, no conflicts (2 of 4 stars). 3 submissions from 3 submitters: Likely benign (2). 1 of the submissions does not count toward it. Last evaluated 2026-01-13.

Conditions:
CC2D2A-related disorder. Also called: CC2D2A-related disorders; CC2D2A-related condition. Identifiers: MedGen CN239313.
Joubert syndrome. Also called: JOUBERT-BOLTSHAUSER SYNDROME; Familial aplasia of the vermis. Identifiers: Orphanet 475, MedGen C5979921, MONDO:0018772.
Meckel-Gruber syndrome. Also called: Dysencephalia splachnocystica; DYSENCEPHALIA SPLANCHNOCYSTICA; GRUBER SYNDROME. Identifiers: Orphanet 564, MedGen C0265215, MONDO:0018921.

Allele frequency attached by ClinVar (database versions not stated): gnomAD 0.00003; 1000 Genomes Project 30x 0.00016; ESP Exome Variant Server 0.00016; TOPMed 0.00018; 1000 Genomes Project 0.00020.
gnomAD v4.1: 178 of 1,610,352 alleles (0.011%); highest among the groups gnomAD compares: Middle Eastern, 0.083%; no homozygotes.

Submissions (3):

Labcorp Genetics (formerly Invitae), Labcorp
Classification: Likely benign for Joubert syndrome; Meckel-Gruber syndrome. Last evaluated: 2026-01-13. Review status: criteria provided, single submitter. Criteria: Invitae Variant Classification Sherloc (09022015). Collection method: clinical testing. Allele origin: germline.

Blueprint Genetics
Classification: Likely benign. Last evaluated: 2024-03-18. Review status: criteria provided, single submitter. Criteria: ACMG Guidelines, 2015. Collection method: clinical testing. Allele origin: germline.

PreventionGenetics, part of Exact Sciences
Classification: Likely benign for CC2D2A-related condition. Last evaluated: 2021-12-20. Review status: no assertion criteria provided. Collection method: clinical testing. Allele origin: germline. Not counted in ClinVar's aggregate classification.
Comment: This variant is classified as likely benign based on ACMG/AMP sequence variant interpretation guidelines (Richards et al. 2015 PMID: 25741868, with internal and published modifications).